The following is an entry in ClinVar:

NM_001868.4(CPA1):c.722C>G (p.Ser241Cys)

Gene: CPA1 (carboxypeptidase A1; plus strand). Cytogenetic location: 7q32.2.
Variant type: single nucleotide variant.
Coding change: c.722C>G on transcript NM_001868.4 (MANE Select); coding-DNA position 722, C replaced by G.
Protein change: p.Ser241Cys; replaces serine 241 with cysteine.
Molecular consequence: missense variant.
Genome position (GRCh38, 1-based): chr7:130,384,561, C>G. VCF-style: chr7-130384561-C-G. GRCh37 (hg19) VCF-style: chr7-130024402-C-G.
Other names: short protein forms S241C.
Identifiers: ClinVar variation 2625437 (VCV002625437.2), dbSNP rs2536010873, ClinGen allele CA369282933.

ClinVar aggregate classification (germline): Uncertain significance (1 of 4 stars; one submission).

Conditions:
Hereditary pancreatitis (PCTT). Also called: PRSS1-Related Hereditary Pancreatitis; Hereditary chronic pancreatitis. Identifiers: Orphanet 676, MedGen C0238339, MONDO:0008185, OMIM 167800.

Submission:

Ambry Genetics
Classification: Uncertain significance for Hereditary pancreatitis. Last evaluated: 2023-07-01. Review status: criteria provided, single submitter. Criteria: Ambry Variant Classification Scheme 2023. Collection method: clinical testing. Allele origin: germline.
Comment: The p.S241C variant (also known as c.722C>G), located in coding exon 7 of the CPA1 gene, results from a C to G substitution at nucleotide position 722. The serine at codon 241 is replaced by cysteine, an amino acid with dissimilar properties. This amino acid position is conserved. In addition, the in silico prediction for this alteration is inconclusive. Since supporting evidence is limited at this time, the clinical significance of this alteration remains unclear.